The following is an entry in ClinVar:

NM_004211.5(SLC6A5):c.866T>C (p.Val289Ala)

Gene: SLC6A5 (solute carrier family 6 member 5; plus strand). Cytogenetic location: 11p15.1.
Variant type: single nucleotide variant.
Coding change: c.866T>C on transcript NM_004211.5 (MANE Select); coding-DNA position 866, T replaced by C.
Protein change: p.Val289Ala; replaces valine 289 with alanine.
Molecular consequence: missense variant.
Genome position (GRCh38, 1-based): chr11:20,607,533, T>C. VCF-style: chr11-20607533-T-C. GRCh37 (hg19) VCF-style: chr11-20629079-T-C.
Other names: c.164T>C, p.Val55Ala (NM_001318369.2); short protein forms V289A, V55A.
Identifiers: ClinVar variation 2630998 (VCV002630998.1), dbSNP rs369546227, ClinGen allele CA379914064.

ClinVar aggregate classification (germline): Uncertain significance (1 of 4 stars; one submission).

Conditions:
SLC6A5-related disorder. Also called: SLC6A5-related condition.

gnomAD v4.1: 5 of 1,614,178 alleles (0.00031%); highest among the groups gnomAD compares: Non-Finnish European, 0.00042%; no homozygotes.

Submission:

PreventionGenetics, part of Exact Sciences
Classification: Uncertain significance for SLC6A5-related condition. Last evaluated: 2023-09-22. Review status: criteria provided, single submitter. Criteria: ACMG Guidelines, 2015. Collection method: clinical testing. Allele origin: germline.
Comment: The SLC6A5 c.866T>C variant is predicted to result in the amino acid substitution p.Val289Ala. To our knowledge, this variant has not been reported in the literature or in a large population database, indicating this variant is rare. At this time, the clinical significance of this variant is uncertain due to the absence of conclusive functional and genetic evidence.